The following is an entry in ClinVar:

ClinVar aggregate classification (germline): Uncertain significance (1 of 4 stars; one submission).

Conditions:
Hereditary cancer-predisposing syndrome. Also called: Neoplastic Syndromes, Hereditary; Tumor predisposition; Hereditary Cancer Syndrome; Hereditary neoplastic syndrome. Identifiers: Orphanet 140162, MedGen C0027672, MeSH D009386, MONDO:0015356.

Submission:

Ambry Genetics
Classification: Uncertain significance for Hereditary cancer-predisposing syndrome. Last evaluated: 2024-05-09. Review status: criteria provided, single submitter. Criteria: Ambry Variant Classification Scheme 2023. Collection method: clinical testing. Allele origin: germline.
Comment: The p.T762S variant (also known as c.2285C>G), located in coding exon 14 of the PMS2 gene, results from a C to G substitution at nucleotide position 2285. The threonine at codon 762 is replaced by serine, an amino acid with similar properties. This amino acid position is well conserved in available vertebrate species. In addition, this alteration is predicted to be tolerated by in silico analysis. Based on the available evidence, the clinical significance of this variant remains unclear.

NM_000535.7(PMS2):c.2285C>G (p.Thr762Ser)

Gene: PMS2 (PMS1 homolog 2, mismatch repair system component; minus strand). Cytogenetic location: 7p22.1.
Variant type: single nucleotide variant.
Coding change: c.2285C>G on transcript NM_000535.7 (MANE Select); coding-DNA position 2285, C replaced by G.
Protein change: p.Thr762Ser; replaces threonine 762 with serine.
Molecular consequence: missense variant.
Genome position (GRCh38, 1-based): chr7:5,977,748, G>C on the plus strand (C>G on the coding strand, the complement: PMS2 is on the minus strand). VCF-style: chr7-5977748-G-C. GRCh37 (hg19) VCF-style: chr7-6017379-G-C.
Other names: c.1880C>G, p.Thr627Ser (NM_001322003.2, NM_001322004.2, NM_001322005.2); c.2129C>G, p.Thr710Ser (NM_001322006.2); c.1967C>G, p.Thr656Ser (NM_001322007.2, NM_001322008.2); c.1913C>G, p.Thr638Ser (NM_001322009.2); c.1724C>G, p.Thr575Ser (NM_001322010.2); c.1352C>G, p.Thr451Ser (NM_001322011.2, NM_001322012.2); c.1712C>G, p.Thr571Ser (NM_001322013.2); c.2318C>G, p.Thr773Ser (NM_001322014.2); and 1 more; short protein forms T451S, T575S, T638S, T656S, T659S, T762S, T571S, T627S.
Identifiers: ClinVar variation 821029 (VCV000821029.5), dbSNP rs1583281632, ClinGen allele CA366736160.